The following is an entry in ClinVar:

ClinVar aggregate classification (germline): Uncertain significance (1 of 4 stars; one submission).

Conditions:
Cohen syndrome (COH1). Also called: Cutis verticis gyrata, retinitis pigmentosa, and sensorineural deafness; PEPPER SYNDROME. Identifiers: Orphanet 193, MedGen C0265223, MONDO:0008999, OMIM 216550.

Submission:

Labcorp Genetics (formerly Invitae), Labcorp
Classification: Uncertain significance for Cohen syndrome. Last evaluated: 2019-03-19. Review status: criteria provided, single submitter. Criteria: Invitae Variant Classification Sherloc (09022015). Collection method: clinical testing. Allele origin: germline.
Comment: In summary, the available evidence is currently insufficient to determine the role of this variant in disease. Therefore, it has been classified as a Variant of Uncertain Significance. Algorithms developed to predict the effect of missense changes on protein structure and function do not agree on the potential impact of this missense change (SIFT: "Deleterious"; PolyPhen-2: "Probably Damaging"; Align-GVGD: "Class C0"). This variant has not been reported in the literature in individuals with VPS13B-related disease. This variant is not present in population databases (ExAC no frequency). This sequence change replaces leucine with proline at codon 1067 of the VPS13B protein (p.Leu1067Pro). The leucine residue is moderately conserved and there is a moderate physicochemical difference between leucine and proline.

NM_152564.5(VPS13B):c.3200T>C (p.Leu1067Pro)

Gene: VPS13B (vacuolar protein sorting 13 homolog B; plus strand). Cytogenetic location: 8q22.2.
Variant type: single nucleotide variant.
Coding change: c.3200T>C on transcript NM_152564.5 (MANE Select); coding-DNA position 3200, T replaced by C.
Protein change: p.Leu1067Pro; replaces leucine 1067 with proline.
Molecular consequence: missense variant.
Genome position (GRCh38, 1-based): chr8:99,431,654, T>C. VCF-style: chr8-99431654-T-C. GRCh37 (hg19) VCF-style: chr8-100443882-T-C.
Other names: c.3200T>C, p.Leu1067Pro (NM_017890.5); short protein forms L1067P.
Identifiers: ClinVar variation 578239 (VCV000578239.9), dbSNP rs1563727071, ClinGen allele CA371868458.